The following is an entry in ClinVar:

ClinVar aggregate classification (germline): Likely pathogenic (1 of 4 stars; one submission).

Conditions:
Pseudohypoparathyroidism (PHP1A). Identifiers: Orphanet 79443, Orphanet 97593, MedGen C0033806, MONDO:0019992, HP:0000852.

Submission:

Centre de Génétique Humaine, Institut de Pathologie Et de Génétique
Classification: Likely pathogenic for Pseudohypoparathyroidism. Last evaluated: 2021-06-01. Review status: criteria provided, single submitter. Criteria: ACMG Guidelines, 2015. Collection method: clinical testing. Allele origin: inherited, unknown. Inheritance: Autosomal recessive inheritance. Affected: yes and no. Observed: 3 heterozygotes, 1 homozygote.
Comment: ACMG criteria: PM2, PM3, PP2 and PP3 = likely pathogenic. GNAS sequencing & CGH180K showed no pathogenic variation. More info in : PMID: 35846276

Literature cited by the submitters: PubMed 35846276; PubMed 39276366.

NM_000316.3(PTH1R):c.723C>G (p.Asp241Glu)

Gene: PTH1R (parathyroid hormone 1 receptor; plus strand). Cytogenetic location: 3p21.31.
Variant type: single nucleotide variant.
Coding change: c.723C>G on transcript NM_000316.3 (MANE Select); coding-DNA position 723, C replaced by G.
Protein change: p.Asp241Glu; replaces aspartic acid 241 with glutamic acid.
Molecular consequence: missense variant.
Genome position (GRCh38, 1-based): chr3:46,898,746, C>G. VCF-style: chr3-46898746-C-G. GRCh37 (hg19) VCF-style: chr3-46940236-C-G.
Other names: c.723C>G, p.Asp241Glu (NM_001184744.1); short protein forms D241E.
Identifiers: ClinVar variation 1301904 (VCV001301904.4), dbSNP rs2107040144, ClinGen allele CA352496853.
Genomic context (GRCh38, chr3:46,898,746, plus strand): 5'-CATCCACATGCACCTGTTCCTGTCCTTCATGCTGCGCGCCGTGAGCATCTTCGTCAAGGA[C>G]GCTGTGCTCTACTCTGGCGCCACGCTTGATGAGGCTGAGCGCCTCACCGAGGAGGAGCTG-3'
Protein context (NP_000307.1, residues 231-251): MLRAVSIFVK[Asp241Glu]AVLYSGATLD